The following is an entry in ClinVar:

ClinVar aggregate classification (germline): Benign/Likely benign. Review status: criteria provided, multiple submitters, no conflicts (2 of 4 stars). 6 submissions from 6 submitters: Benign (3); Likely benign (3). Last evaluated 2026-01-26.

Conditions:
Exostoses, multiple, type 1 (EXT1). Also called: Hereditary Multiple Osteochondromatosis, Type I; EXOSTOSES, MULTIPLE, TYPE I. Identifiers: MedGen CN263289, MONDO:0007585, OMIM 133700.
Multiple congenital exostosis (EXT). Also called: Hereditary multiple exostoses; Hereditary multiple exostosis; Multiple exostoses; MULTIPLE CARTILAGINOUS EXOSTOSES; Hereditary multiple osteochondromas; Multiple osteochondromas. Identifiers: Orphanet 321, MedGen C0015306, MONDO:0005508, HP:0002762.

Allele frequency attached by ClinVar (database versions not stated): gnomAD exomes 0.00040 and 0.00144; gnomAD 0.00041 and 0.00064; TOPMed 0.00077; ExAC 0.00132; 1000 Genomes Project 30x 0.00422; 1000 Genomes Project 0.00479.
gnomAD v4.1: 698 of 1,610,992 alleles (0.043%); highest among the groups gnomAD compares: East Asian, 1.3%; 6 homozygotes.

Submissions (6):

Labcorp Genetics (formerly Invitae), Labcorp
Classification: Benign for Multiple congenital exostosis. Last evaluated: 2026-01-26. Review status: criteria provided, single submitter. Criteria: Invitae Variant Classification Sherloc (09022015). Collection method: clinical testing. Allele origin: germline.

Blueprint Genetics
Classification: Likely benign. Last evaluated: 2024-11-14. Review status: criteria provided, single submitter. Criteria: ACMG Guidelines, 2015. Collection method: clinical testing. Allele origin: germline.

KCCC/NGS Laboratory, Kuwait Cancer Control Center
Classification: Benign for Exostoses, multiple, type 1. Last evaluated: 2023-07-07. Review status: criteria provided, single submitter. Criteria: ACMG Guidelines, 2015. Collection method: clinical testing. Allele origin: germline. Affected: yes.

Institute for Clinical Genetics, University Hospital TU Dresden, University Hospital TU Dresden
Classification: Likely benign. Last evaluated: 2021-11-03. Review status: criteria provided, single submitter. Criteria: ACMG Guidelines, 2015. Collection method: clinical testing. Allele origin: germline.

Illumina Laboratory Services, Illumina
Classification: Likely benign for Exostoses, multiple, type 1. Last evaluated: 2017-04-27. Review status: criteria provided, single submitter. Criteria: ICSL Variant Classification Criteria 13 December 2019. Collection method: clinical testing. Allele origin: germline.
Comment: This variant was observed as part of a predisposition screen in an ostensibly healthy population. A literature search was performed for the gene, cDNA change, and amino acid change (where applicable). Publications were found based on this search. The evidence from the literature, in combination with allele frequency data from public databases where available, was sufficient to determine this variant is unlikely to cause disease. Therefore, this variant is classified as likely benign.

PreventionGenetics, part of Exact Sciences
Classification: Benign. Review status: criteria provided, single submitter. Criteria: ACMG Guidelines, 2015. Collection method: clinical testing. Allele origin: germline.

Literature cited by the submitters: PubMed 19810120 (cited by Illumina Laboratory Services, Illumina).

NM_000127.3(EXT1):c.1536+7G>A

Gene: EXT1 (exostosin glycosyltransferase 1; minus strand). Cytogenetic location: 8q24.11.
Variant type: single nucleotide variant.
Coding change: c.1536+7G>A on transcript NM_000127.3 (MANE Select); 7 bases into the intron after coding-DNA position 1536, G replaced by A.
Molecular consequence: intron variant.
Genome position (GRCh38, 1-based): chr8:117,819,669, C>T on the plus strand (G>A on the coding strand, the complement: EXT1 is on the minus strand). VCF-style: chr8-117819669-C-T. GRCh37 (hg19) VCF-style: chr8-118831908-C-T.
Identifiers: ClinVar variation 255173 (VCV000255173.21), dbSNP rs200128437, ClinGen allele CA4854117.